The following is an entry in ClinVar:

ClinVar aggregate classification (germline): Likely pathogenic (1 of 4 stars; one submission).

Conditions:
Combined immunodeficiency with skin granulomas. Identifiers: Orphanet 157949, MedGen C2673536, MONDO:0009306, OMIM 233650.
Severe combined immunodeficiency, autosomal recessive, T cell-negative, B cell-negative, NK cell-positive. Also called: SCID, AR, T-cell negative, B-cell negative, NK cell-positive; SCID, T CELL-NEGATIVE, B CELL-NEGATIVE, NK CELL-POSITIVE; Severe combined immunodeficiency due to complete RAG1/2 deficiency. Identifiers: Orphanet 331206, MedGen C1832322, MONDO:0011086, OMIM 601457.

gnomAD v4.1: 2 of 1,614,136 alleles (0.00012%); highest among the groups gnomAD compares: Admixed American, 0.0017%; no homozygotes.

Submission:

Labcorp Genetics (formerly Invitae), Labcorp
Classification: Likely pathogenic for Combined immunodeficiency with skin granulomas; Severe combined immunodeficiency, autosomal recessive, T cell-negative, B cell-negative, NK cell-positive. Last evaluated: 2024-03-03. Review status: criteria provided, single submitter. Criteria: Invitae Variant Classification Sherloc (09022015). Collection method: clinical testing. Allele origin: germline.
Comment: This sequence change replaces proline, which is neutral and non-polar, with serine, which is neutral and polar, at codon 305 of the RAG2 protein (p.Pro305Ser). This variant is present in population databases (no rsID available, gnomAD 0.003%). This missense change has been observed in individual(s) with Omenn syndrome (PMID: 29658452). Advanced modeling of protein sequence and biophysical properties (such as structural, functional, and spatial information, amino acid conservation, physicochemical variation, residue mobility, and thermodynamic stability) performed at Invitae indicates that this missense variant is expected to disrupt RAG2 protein function with a positive predictive value of 95%. This variant disrupts the p.Pro305 amino acid residue in RAG2. Other variant(s) that disrupt this residue have been determined to be pathogenic (PMID: 32655540). This suggests that this residue is clinically significant, and that variants that disrupt this residue are likely to be disease-causing. In summary, the currently available evidence indicates that the variant is pathogenic, but additional data are needed to prove that conclusively. Therefore, this variant has been classified as Likely Pathogenic.

Literature cited by the submitters: PubMed 29658452; PubMed 32655540.

NM_000536.4(RAG2):c.913C>T (p.Pro305Ser)

Gene: RAG2 (recombination activating 2; minus strand). Cytogenetic location: 11p12.
Variant type: single nucleotide variant.
Coding change: c.913C>T on transcript NM_000536.4 (MANE Select); coding-DNA position 913, C replaced by T.
Protein change: p.Pro305Ser; replaces proline 305 with serine.
Molecular consequence: missense variant.
Genome position (GRCh38, 1-based): chr11:36,593,256, G>A on the plus strand (C>T on the coding strand, the complement: RAG2 is on the minus strand). VCF-style: chr11-36593256-G-A. GRCh37 (hg19) VCF-style: chr11-36614806-G-A.
Other names: c.913C>T, p.Pro305Ser (NM_001243785.2, NM_001243786.2); short protein forms P305S.
Identifiers: ClinVar variation 3761032 (VCV003761032.2).